The following is an entry in ClinVar:

ClinVar aggregate classification (germline): Uncertain significance (1 of 4 stars; one submission).

gnomAD v4.1: 1 of 1,613,614 alleles (0.000062%); no homozygotes.

Submission:

GeneDx
Classification: Uncertain significance. Last evaluated: 2023-12-07. Review status: criteria provided, single submitter. Criteria: GeneDx Variant Classification Process June 2021. Collection method: clinical testing. Allele origin: germline. Affected: yes.
Comment: Not observed at significant frequency in large population cohorts (gnomAD); In silico analysis supports that this missense variant does not alter protein structure/function; Has not been previously published as pathogenic or benign to our knowledge

NM_003153.5(STAT6):c.1606C>G (p.Arg536Gly)

Gene: STAT6 (signal transducer and activator of transcription 6; minus strand). Cytogenetic location: 12q13.3.
Variant type: single nucleotide variant.
Coding change: c.1606C>G on transcript NM_003153.5 (MANE Select); coding-DNA position 1606, C replaced by G.
Protein change: p.Arg536Gly; replaces arginine 536 with glycine.
Molecular consequence: missense variant. On other transcripts: non-coding transcript variant (1).
Genome position (GRCh38, 1-based): chr12:57,099,997, G>C on the plus strand (C>G on the coding strand, the complement: STAT6 is on the minus strand). VCF-style: chr12-57099997-G-C. GRCh37 (hg19) VCF-style: chr12-57493780-G-C.
Other names: c.1606C>G, p.Arg536Gly (NM_001178078.2, NM_001178079.2); c.1276C>G, p.Arg426Gly (NM_001178080.2, NM_001178081.2); short protein forms R426G, R536G.
Identifiers: ClinVar variation 3365184 (VCV003365184.1).